The following is an entry in ClinVar:

ClinVar aggregate classification (germline): Pathogenic (1 of 4 stars; one submission).

Conditions:
Hereditary nonpolyposis colorectal neoplasms. Identifiers: MedGen C0009405, MeSH D003123.

Submission:

Labcorp Genetics (formerly Invitae), Labcorp
Classification: Pathogenic for Hereditary nonpolyposis colorectal neoplasms. Last evaluated: 2025-06-01. Review status: criteria provided, single submitter. Criteria: Invitae Variant Classification Sherloc (09022015). Collection method: clinical testing. Allele origin: germline.
Comment: This sequence change creates a premature translational stop signal (p.Lys504Serfs*2) in the MSH6 gene. It is expected to result in an absent or disrupted protein product. Loss-of-function variants in MSH6 are known to be pathogenic (PMID: 18269114, 24362816). This variant is not present in population databases (gnomAD no frequency). This variant has not been reported in the literature in individuals affected with MSH6-related conditions. For these reasons, this variant has been classified as Pathogenic.

Literature cited by the submitters: PubMed 18269114; PubMed 24362816.

NM_000179.3(MSH6):c.1509_1615del (p.Lys504fs)

Gene: MSH6 (mutS homolog 6; plus strand). Cytogenetic location: 2p16.3.
Variant type: Deletion.
Coding change: c.1509_1615del on transcript NM_000179.3 (MANE Select); coding-DNA positions 1509 to 1615, 107 bases deleted.
Protein change: p.Lys504fs; shifts the reading frame from lysine 504.
Molecular consequence: frameshift variant. On other transcripts: non-coding transcript variant (4), splice donor variant (1), intron variant (1).
Genome position (GRCh38, 1-based): chr2:47,799,492-47,799,598, 107 bases deleted. GRCh37 (hg19): chr2:48,026,631-48,026,737.
Other names: c.1119_1225del, p.Lys374fs (NM_001281492.2); c.603_709del, p.Lys202fs (NM_001281493.2, NM_001281494.2, NM_001406811.1 and 6 more transcripts); c.1605_1711del, p.Lys536fs (NM_001406795.1, NM_001406802.1); c.1509_1615del, p.Lys504fs (NM_001406796.1, NM_001406798.1, NM_001406800.1 and 3 more transcripts); c.1212_1318del, p.Lys405fs (NM_001406797.1, NM_001406801.1, NM_001406805.1 and 10 more transcripts); c.984_1090del, p.Lys329fs (NM_001406799.1, NM_001406806.1, NM_001406807.1); c.1431_1537del, p.Lys478fs (NM_001406804.1); c.1515_1621del, p.Lys506fs (NM_001406813.1); and 3 more; short protein forms K202fs, K405fs, K478fs, K374fs, K448fs, K536fs, K329fs, K504fs.
Identifiers: ClinVar variation 4720587 (VCV004720587.1).